The following is an entry in ClinVar:

ClinVar aggregate classification (germline): Pathogenic/Likely pathogenic. Review status: criteria provided, multiple submitters, no conflicts (2 of 4 stars). 2 submissions from 2 submitters: Pathogenic (1); Likely pathogenic (1). Last evaluated 2024-04-02.

Conditions:
Hereditary breast ovarian cancer syndrome. Also called: Hereditary breast and ovarian cancer syndrome; Hereditary breast and/or ovarian cancer syndrome; Hereditary breast and ovarian cancer syndrome (HBOC); Breast and ovarian cancer; Hereditary breast and ovarian cancer; BRCA1- and BRCA2-Associated Hereditary Breast and Ovarian Cancer. Identifiers: Orphanet 145, MedGen C0677776, MeSH D061325, MONDO:0003582. Disease mechanism: loss of function.

Submissions (2):

Labcorp Genetics (formerly Invitae), Labcorp
Classification: Pathogenic for Hereditary breast ovarian cancer syndrome. Last evaluated: 2024-04-02. Review status: criteria provided, single submitter. Criteria: Invitae Variant Classification Sherloc (09022015). Collection method: clinical testing. Allele origin: germline.
Comment: This sequence change creates a premature translational stop signal (p.Met1029Ilefs*7) in the BRCA2 gene. It is expected to result in an absent or disrupted protein product. Loss-of-function variants in BRCA2 are known to be pathogenic (PMID: 20104584). This variant is not present in population databases (gnomAD no frequency). This variant has not been reported in the literature in individuals affected with BRCA2-related conditions. ClinVar contains an entry for this variant (Variation ID: 864574). For these reasons, this variant has been classified as Pathogenic.

Women's Health and Genetics/Laboratory Corporation of America, LabCorp
Classification: Likely pathogenic for Hereditary breast ovarian cancer syndrome. Last evaluated: 2022-08-24. Review status: criteria provided, single submitter. Criteria: LabCorp Variant Classification Summary - May 2015. Collection method: clinical testing. Allele origin: germline.
Comment: Variant summary: BRCA2 c.3086dupT (p.Met1029IlefsX7) results in a premature termination codon, predicted to cause a truncation of the encoded protein or absence of the protein due to nonsense mediated decay, which are commonly known mechanisms for disease. Truncations downstream of this position have been classified as pathogenic by our laboratory. The variant was absent in 250064 control chromosomes. c.3086dupT has been reported in the literature in an individual affected with Fanconi Anemia who carried a second pathogenic BRCA2 mutation (Mori_2019). To our knowledge, no experimental evidence demonstrating an impact on protein function has been reported. One clinical diagnostic laboratory has submitted clinical-significance assessments for this variant to ClinVar after 2014 without evidence for independent evaluation. One laboratory classified the variant as pathogenic. Based on the evidence outlined above, the variant was classified as likely pathogenic.

Literature cited by the submitters: PubMed 20104584 (cited by Labcorp Genetics (formerly Invitae), Labcorp); PubMed 30792206 (cited by Women's Health and Genetics/Laboratory Corporation of America, LabCorp); PubMed 33428613 (cited by Women's Health and Genetics/Laboratory Corporation of America, LabCorp).

NM_000059.4(BRCA2):c.3086dup (p.Met1029fs)

Gene: BRCA2 (BRCA2 DNA repair associated; plus strand). Cytogenetic location: 13q13.1.
Variant type: Duplication.
Coding change: c.3086dup on transcript NM_000059.4 (MANE Select); coding-DNA position 3086, one base duplicated (T; older notation c.3086dupT).
Protein change: p.Met1029fs; shifts the reading frame from methionine 1029.
Molecular consequence: frameshift variant.
Genome position (GRCh38, 1-based): chr13:32,337,441, T duplicated. VCF-style (leftmost placement, unchanged base first): chr13-32337440-A-AT. GRCh37 (hg19) VCF-style: chr13-32911577-A-AT.
Other names: c.3086dupT (NM_000059.3); short protein forms M1029fs.
Identifiers: ClinVar variation 864574 (VCV000864574.9), dbSNP rs2072472083, ClinGen allele CA916080209.